The following is an entry in ClinVar:

NM_002336.3(LRP6):c.1276C>G (p.Arg426Gly)

Gene: LRP6 (LDL receptor related protein 6; minus strand). Cytogenetic location: 12p13.2.
Variant type: single nucleotide variant.
Coding change: c.1276C>G on transcript NM_002336.3 (MANE Select); coding-DNA position 1276, C replaced by G.
Protein change: p.Arg426Gly; replaces arginine 426 with glycine.
Molecular consequence: missense variant.
Genome position (GRCh38, 1-based): chr12:12,181,140, G>C on the plus strand (C>G on the coding strand, the complement: LRP6 is on the minus strand). VCF-style: chr12-12181140-G-C. GRCh37 (hg19) VCF-style: chr12-12334074-G-C.
Other names: c.1276C>G (NM_002336.2); c.1276C>G, p.Arg426Gly (NM_001414244.1, NM_001414245.1, NM_001414246.1 and 5 more transcripts); c.1078C>G, p.Arg360Gly (NM_001414247.1); c.823C>G, p.Arg275Gly (NM_001414252.1, NM_001414253.1, NM_001414254.1); short protein forms R360G, R426G, R275G.
Identifiers: ClinVar variation 2085438 (VCV002085438.5), dbSNP rs751994990, ClinGen allele CA6455703.

ClinVar aggregate classification (germline): Uncertain significance. Review status: criteria provided, multiple submitters, no conflicts (2 of 4 stars). 2 submissions from 2 submitters: Uncertain significance (2). Last evaluated 2025-01-09.

Conditions:
Inborn genetic diseases. Identifiers: MedGen C0950123, MeSH D030342.

Allele frequency attached by ClinVar (database versions not stated): gnomAD 0.00001; ExAC 0.00002; TOPMed 0.00011.
gnomAD v4.1: 36 of 1,613,858 alleles (0.0022%); highest among the groups gnomAD compares: Admixed American, 0.025%; no homozygotes.

Submissions (2):

Ambry Genetics
Classification: Uncertain significance for Inborn genetic diseases. Last evaluated: 2025-01-09. Review status: criteria provided, single submitter. Criteria: Ambry Variant Classification Scheme 2023. Collection method: clinical testing. Allele origin: germline.

Labcorp Genetics (formerly Invitae), Labcorp
Classification: Uncertain significance. Last evaluated: 2024-10-23. Review status: criteria provided, single submitter. Criteria: Invitae Variant Classification Sherloc (09022015). Collection method: clinical testing. Allele origin: germline.
Comment: This sequence change replaces arginine, which is basic and polar, with glycine, which is neutral and non-polar, at codon 426 of the LRP6 protein (p.Arg426Gly). This variant is present in population databases (rs751994990, gnomAD 0.03%). This variant has not been reported in the literature in individuals affected with LRP6-related conditions. ClinVar contains an entry for this variant (Variation ID: 2085438). Invitae Evidence Modeling of protein sequence and biophysical properties (such as structural, functional, and spatial information, amino acid conservation, physicochemical variation, residue mobility, and thermodynamic stability) indicates that this missense variant is expected to disrupt LRP6 protein function with a positive predictive value of 80%. In summary, the available evidence is currently insufficient to determine the role of this variant in disease. Therefore, it has been classified as a Variant of Uncertain Significance.